The following is an entry in ClinVar:

ClinVar aggregate classification (germline): Uncertain significance. Review status: criteria provided, multiple submitters, no conflicts (2 of 4 stars). 2 submissions from 2 submitters: Uncertain significance (2). Last evaluated 2024-07-21.

Allele frequency attached by ClinVar (database versions not stated): gnomAD 0.00002; ExAC 0.00003.
gnomAD v4.1: 9 of 1,200,989 alleles (0.00075%); highest among the groups gnomAD compares: East Asian, 0.0059%; no homozygotes.

Submissions (2):

Labcorp Genetics (formerly Invitae), Labcorp
Classification: Uncertain significance. Last evaluated: 2024-07-21. Review status: criteria provided, single submitter. Criteria: Invitae Variant Classification Sherloc (09022015). Collection method: clinical testing. Allele origin: germline.
Comment: This sequence change replaces proline, which is neutral and non-polar, with serine, which is neutral and polar, at codon 346 of the SH3KBP1 protein (p.Pro346Ser). This variant is present in population databases (rs370075003, gnomAD 0.02%). This variant has not been reported in the literature in individuals affected with SH3KBP1-related conditions. ClinVar contains an entry for this variant (Variation ID: 1926789). Advanced modeling of protein sequence and biophysical properties (such as structural, functional, and spatial information, amino acid conservation, physicochemical variation, residue mobility, and thermodynamic stability) performed at Invitae indicates that this missense variant is not expected to disrupt SH3KBP1 protein function with a negative predictive value of 80%. In summary, the available evidence is currently insufficient to determine the role of this variant in disease. Therefore, it has been classified as a Variant of Uncertain Significance.

Ambry Genetics
Classification: Uncertain significance. Last evaluated: 2022-08-30. Review status: criteria provided, single submitter. Criteria: Ambry Variant Classification Scheme 2023. Collection method: clinical testing. Allele origin: germline.

NM_031892.3(SH3KBP1):c.1036C>T (p.Pro346Ser)

Gene: SH3KBP1 (SH3 domain containing kinase binding protein 1; minus strand). Cytogenetic location: Xp22.12.
Variant type: single nucleotide variant.
Coding change: c.1036C>T on transcript NM_031892.3 (MANE Select); coding-DNA position 1036, C replaced by T.
Protein change: p.Pro346Ser; replaces proline 346 with serine.
Molecular consequence: missense variant.
Genome position (GRCh38, 1-based): chrX:19,594,970, G>A on the plus strand (C>T on the coding strand, the complement: SH3KBP1 is on the minus strand). VCF-style: chrX-19594970-G-A. GRCh37 (hg19) VCF-style: chrX-19613088-G-A.
Other names: c.925C>T, p.Pro309Ser (NM_001024666.3); c.322C>T, p.Pro108Ser (NM_001184960.2, NM_001353897.2); c.1036C>T, p.Pro346Ser (NM_001353890.2); c.1111C>T, p.Pro371Ser (NM_001353891.2, NM_001353892.2); c.934C>T, p.Pro312Ser (NM_001353893.2, NM_001353894.2); c.991C>T, p.Pro331Ser (NM_001353895.2); c.1168C>T, p.Pro390Ser (NM_001410756.1, NM_001410757.1); c.859C>T, p.Pro287Ser (NM_001410758.1); short protein forms P371S, P312S, P331S, P287S, P309S, P346S, P108S, P390S.
Identifiers: ClinVar variation 1926789 (VCV001926789.6), dbSNP rs370075003, ClinGen allele CA10364660.